The following is an entry in ClinVar:

NM_001353108.3(CEP63):c.397A>G (p.Arg133Gly)

Gene: CEP63 (centrosomal protein 63; plus strand). Cytogenetic location: 3q22.2.
Variant type: single nucleotide variant.
Coding change: c.397A>G on transcript NM_001353108.3 (MANE Select); coding-DNA position 397, A replaced by G.
Protein change: p.Arg133Gly; replaces arginine 133 with glycine.
Molecular consequence: missense variant. On other transcripts: non-coding transcript variant (4).
Genome position (GRCh38, 1-based): chr3:134,532,856, A>G. VCF-style: chr3-134532856-A-G. GRCh37 (hg19) VCF-style: chr3-134251698-A-G.
Other names: c.397A>G, p.Arg133Gly (NM_001042383.2, NM_001042384.2, NM_001042400.3 and 13 more transcripts); c.424A>G, p.Arg142Gly (NM_001353118.1); c.313A>G, p.Arg105Gly (NM_001353125.2); c.34A>G, p.Arg12Gly (NM_001353126.2); short protein forms R142G, R105G, R12G, R133G.
Identifiers: ClinVar variation 1992064 (VCV001992064.4), dbSNP rs1950107551, ClinGen allele CA354623636.

ClinVar aggregate classification (germline): Uncertain significance (1 of 4 stars; one submission).

Allele frequency attached by ClinVar (database versions not stated): gnomAD exomes below 0.00001; TOPMed below 0.00001.

Submission:

Labcorp Genetics (formerly Invitae), Labcorp
Classification: Uncertain significance. Last evaluated: 2025-01-06. Review status: criteria provided, single submitter. Criteria: Invitae Variant Classification Sherloc (09022015). Collection method: clinical testing. Allele origin: germline.
Comment: This sequence change replaces arginine, which is basic and polar, with glycine, which is neutral and non-polar, at codon 133 of the CEP63 protein (p.Arg133Gly). This variant is not present in population databases (gnomAD no frequency). This variant has not been reported in the literature in individuals affected with CEP63-related conditions. ClinVar contains an entry for this variant (Variation ID: 1992064). Invitae Evidence Modeling of protein sequence and biophysical properties (such as structural, functional, and spatial information, amino acid conservation, physicochemical variation, residue mobility, and thermodynamic stability) indicates that this missense variant is not expected to disrupt CEP63 protein function with a negative predictive value of 80%. In summary, the available evidence is currently insufficient to determine the role of this variant in disease. Therefore, it has been classified as a Variant of Uncertain Significance.